The following is an entry in ClinVar:

NM_000625.4(NOS2):c.3330C>T (p.Val1110=)

Gene: NOS2 (nitric oxide synthase 2; minus strand). Cytogenetic location: 17q11.2.
Variant type: single nucleotide variant.
Coding change: c.3330C>T on transcript NM_000625.4 (MANE Select); coding-DNA position 3330, C replaced by T.
Protein change: p.Val1110=; no amino-acid change (valine 1110 retained).
Molecular consequence: synonymous variant.
Genome position (GRCh38, 1-based): chr17:27,758,905, G>A on the plus strand (C>T on the coding strand, the complement: NOS2 is on the minus strand). VCF-style: chr17-27758905-G-A. GRCh37 (hg19) VCF-style: chr17-26085931-G-A.
Identifiers: ClinVar variation 710107 (VCV000710107.7), dbSNP rs3729662, ClinGen allele CA8454126.

ClinVar aggregate classification (germline): Benign. Review status: criteria provided, multiple submitters, no conflicts (2 of 4 stars). 3 submissions from 3 submitters: Benign (2). 1 of the submissions does not count toward it. Last evaluated 2019-12-31.

Conditions:
NOS2-related disorder. Also called: NOS2-related condition.

Allele frequency attached by ClinVar (database versions not stated): ExAC 0.00433; gnomAD 0.01208 and 0.01261; ESP Exome Variant Server 0.01223; TOPMed 0.01299; 1000 Genomes Project 0.01458; 1000 Genomes Project 30x 0.01530.
gnomAD v4.1: 3,549 of 1,606,666 alleles (0.22%); highest among the groups gnomAD compares: African/African-American, 4.1%; 59 homozygotes.

Submissions (3):

Labcorp Genetics (formerly Invitae), Labcorp
Classification: Benign. Last evaluated: 2019-12-31. Review status: criteria provided, single submitter. Criteria: Invitae Variant Classification Sherloc (09022015). Collection method: clinical testing. Allele origin: germline.

Breakthrough Genomics
Classification: Benign. Review status: criteria provided, single submitter. Criteria: ACMG Guidelines, 2015. Collection method: not provided. Allele origin: germline. Inheritance: Unknown mechanism. Affected: yes.

PreventionGenetics, part of Exact Sciences
Classification: Benign for NOS2-related condition. Last evaluated: 2019-09-17. Review status: no assertion criteria provided. Collection method: clinical testing. Allele origin: germline. Not counted in ClinVar's aggregate classification.
Comment: This variant is classified as benign based on ACMG/AMP sequence variant interpretation guidelines (Richards et al. 2015 PMID: 25741868, with internal and published modifications).